The following is an entry in ClinVar:

NC_012920.1(MT-ATP6):m.8666A>G

Gene: MT-ATP6 (mitochondrially encoded ATP synthase 6; plus strand).
Variant type: single nucleotide variant.
Genome position: chrM-8666-A-G.
Identifiers: ClinVar variation 692946 (VCV000692946.1), dbSNP rs1603221681, ClinGen allele CA414797282.

ClinVar aggregate classification (germline): Likely benign (1 of 4 stars; one submission).

Conditions:
Leigh syndrome (NULS). Also called: Leigh's necrotizing encephalopathy; Leigh's disease; Leigh Syndrome (mtDNA deletion); Leigh Disease; Subacute necrotizing encephalopathy; Necrotizing encephalopathy infantile subacute of Leigh. Identifiers: Orphanet 506, MedGen C2931891, MONDO:0009723, OMIM 256000.

Submission:

Wong Mito Lab, Molecular and Human Genetics, Baylor College of Medicine
Classification: Likely benign for Leigh syndrome. Last evaluated: 2019-10-17. Review status: criteria provided, single submitter. Criteria: Modified ACMG Guidelines (Unpublished). Collection method: clinical testing. Allele origin: germline.
Comment: The NC_012920.1:m.8666A>G (YP_003024031.1:p.Gln47Arg) variant in MTATP6 gene is interpretated to be a Likely Benign variant based on the modified ACMG guidelines (unpublished). This variant meets the following evidence codes: BS1, BP4, BP5